The following is an entry in ClinVar:

ClinVar aggregate classification (germline): Likely benign. Review status: criteria provided, multiple submitters, no conflicts (2 of 4 stars). 3 submissions from 3 submitters: Likely benign (3). Last evaluated 2026-07-14.

Conditions:
Cystic fibrosis (CF). Also called: MUCOVISCIDOSIS. Identifiers: Orphanet 586, MedGen C0010674, MONDO:0009061, OMIM 219700. Disease mechanism: loss of function.

Submissions (3):

Ambry Genetics
Classification: Likely benign for Cystic fibrosis. Last evaluated: 2026-07-14. Review status: criteria provided, single submitter. Criteria: Ambry Variant Classification Scheme 2023. Collection method: clinical testing. Allele origin: germline.

Women's Health and Genetics/Laboratory Corporation of America, LabCorp
Classification: Likely benign. Last evaluated: 2024-04-23. Review status: criteria provided, single submitter. Criteria: LabCorp Variant Classification Summary - May 2015. Collection method: clinical testing. Allele origin: germline.
Comment: Variant summary: CFTR c.3963+15T>C alters a non-conserved nucleotide located at a position not widely known to affect splicing. Consensus agreement among computation tools predict no significant impact on normal splicing. However, these predictions have yet to be confirmed by functional studies. The variant allele was found at a frequency of 7.4e-07 in 1358164 control chromosomes (gnomAD v4.1 dataset). The available data on variant occurrences in the general population are insufficient to allow any conclusion about variant significance. The variant, c.3963+15T>C, has been reported in the literature in a newborn with positive CFTR screening tests, however no other variants or further details were specified (Bozdogan_2021). This report does not provide unequivocal conclusions about association of the variant with Cystic Fibrosis. To our knowledge, no experimental evidence demonstrating an impact on protein function has been reported. ClinVar contains an entry for this variant (Variation ID: 992224). Based on the evidence outlined above, the variant was classified as likely benign.

Labcorp Genetics (formerly Invitae), Labcorp
Classification: Likely benign for Cystic fibrosis. Last evaluated: 2023-12-25. Review status: criteria provided, single submitter. Criteria: Invitae Variant Classification Sherloc (09022015). Collection method: clinical testing. Allele origin: germline.

Literature cited by the submitters: PubMed 33572515 (cited by Women's Health and Genetics/Laboratory Corporation of America, LabCorp).

NM_000492.4(CFTR):c.3963+15T>C

Gene: CFTR (CF transmembrane conductance regulator; plus strand). Cytogenetic location: 7q31.2.
Variant type: single nucleotide variant.
Coding change: c.3963+15T>C on transcript NM_000492.4 (MANE Select); 15 bases into the intron after coding-DNA position 3963, T replaced by C.
Molecular consequence: intron variant.
Genome position (GRCh38, 1-based): chr7:117,652,946, T>C. VCF-style: chr7-117652946-T-C. GRCh37 (hg19) VCF-style: chr7-117293000-T-C.
Identifiers: ClinVar variation 992224 (VCV000992224.10), dbSNP rs1269502695, ClinGen allele CA577225206.
Genomic context (GRCh38, chr7:117,652,946, plus strand): 5'-CTATGAACAGTGGAGTGATCAAGAAATATGGAAAGTTGCAGATGAGGTAAGGCTGCTAAC[T>C]GAAATGATTTTGAAAGGGGTAACTCATACCAACACAAATGGCTGATATAGCTGACATCAT-3'